The following is an entry in ClinVar:

ClinVar aggregate classification (germline): Uncertain significance (1 of 4 stars; one submission).

Conditions:
Atrioventricular septal defect 4 (AVSD4). Identifiers: MedGen C3280781, MONDO:0013747, OMIM 614430.

Submission:

Labcorp Genetics (formerly Invitae), Labcorp
Classification: Uncertain significance for Atrioventricular septal defect 4. Last evaluated: 2023-07-06. Review status: criteria provided, single submitter. Criteria: Invitae Variant Classification Sherloc (09022015). Collection method: clinical testing. Allele origin: germline.
Comment: In summary, the available evidence is currently insufficient to determine the role of this variant in disease. Therefore, it has been classified as a Variant of Uncertain Significance. Variants that disrupt the consensus splice site are a relatively common cause of aberrant splicing (PMID: 17576681, 9536098). Algorithms developed to predict the effect of sequence changes on RNA splicing suggest that this variant may disrupt the consensus splice site. This variant has not been reported in the literature in individuals affected with GATA4-related conditions. This variant is not present in population databases (gnomAD no frequency). This sequence change falls in intron 6 of the GATA4 gene. It does not directly change the encoded amino acid sequence of the GATA4 protein. It affects a nucleotide within the consensus splice site.

Literature cited by the submitters: PubMed 17576681; PubMed 9536098.

NM_001308093.3(GATA4):c.1150-3C>G

Gene: GATA4 (GATA binding protein 4). Cytogenetic location: 8p23.1.
Variant type: single nucleotide variant.
Coding change: c.1150-3C>G on transcript NM_001308093.3 (MANE Select); 3 bases into the intron before coding-DNA position 1150, C replaced by G.
Molecular consequence: intron variant.
Genome position (GRCh38, 1-based): chr8:11,758,290, C>G. VCF-style: chr8-11758290-C-G. GRCh37 (hg19) VCF-style: chr8-11615799-C-G.
Other names: c.529-3C>G (NM_001308094.2, NM_001374273.1); c.1147-3C>G (NM_002052.5); c.403-3C>G (NM_001374274.1).
Identifiers: ClinVar variation 2736118 (VCV002736118.3), dbSNP rs2486050825, ClinGen allele CA2697549754.